The following is an entry in ClinVar:

NM_002693.3(POLG):c.2299G>A (p.Ala767Thr)

Gene: POLG (DNA polymerase gamma, catalytic subunit; minus strand). Cytogenetic location: 15q26.1.
Variant type: single nucleotide variant.
Coding change: c.2299G>A on transcript NM_002693.3 (MANE Select); coding-DNA position 2299, G replaced by A.
Protein change: p.Ala767Thr; replaces alanine 767 with threonine.
Molecular consequence: missense variant.
Genome position (GRCh38, 1-based): chr15:89,322,869, C>T on the plus strand (G>A on the coding strand, the complement: POLG is on the minus strand). VCF-style: chr15-89322869-C-T. GRCh37 (hg19) VCF-style: chr15-89866100-C-T.
Other names: c.2299G>A, p.Ala767Thr (NM_001126131.2); short protein forms A767T.
Identifiers: ClinVar variation 1953048 (VCV001953048.5), dbSNP rs2509227170, ClinGen allele CA393756532.

ClinVar aggregate classification (germline): Uncertain significance (1 of 4 stars; one submission).

Conditions:
Progressive sclerosing poliodystrophy (MTDPS4A). Also called: Mitochondrial DNA Depletion Syndrome 4A; ALPERS PROGRESSIVE INFANTILE POLIODYSTROPHY; NEURONAL DEGENERATION OF CHILDHOOD WITH LIVER DISEASE, PROGRESSIVE; Mitochondrial DNA depletion syndrome 4A (Alpers type); Alpers-Huttenlocher Syndrome (AHS); Alpers Syndrome. Identifiers: Orphanet 726, MedGen C0205710, MONDO:0008758, OMIM 203700.

Submission:

Labcorp Genetics (formerly Invitae), Labcorp
Classification: Uncertain significance for Progressive sclerosing poliodystrophy. Last evaluated: 2023-05-02. Review status: criteria provided, single submitter. Criteria: Invitae Variant Classification Sherloc (09022015). Collection method: clinical testing. Allele origin: germline.
Comment: This sequence change replaces alanine, which is neutral and non-polar, with threonine, which is neutral and polar, at codon 767 of the POLG protein (p.Ala767Thr). This variant is not present in population databases (gnomAD no frequency). This variant has not been reported in the literature in individuals affected with POLG-related conditions. ClinVar contains an entry for this variant (Variation ID: 1953048). Advanced modeling of protein sequence and biophysical properties (such as structural, functional, and spatial information, amino acid conservation, physicochemical variation, residue mobility, and thermodynamic stability) has been performed at Invitae for this missense variant, however the output from this modeling did not meet the statistical confidence thresholds required to predict the impact of this variant on POLG protein function. In summary, the available evidence is currently insufficient to determine the role of this variant in disease. Therefore, it has been classified as a Variant of Uncertain Significance.